The following is an entry in ClinVar:

NC_000003.11:g.(?_180369931)_(180372761_?)dup

Gene: CCDC39 (coiled-coil domain 39 molecular ruler complex subunit; minus strand). Cytogenetic location: 3q26.33.
Variant type: Duplication.
Identifiers: ClinVar variation 3246791 (VCV003246791.1).

ClinVar aggregate classification (germline): Likely pathogenic (1 of 4 stars; one submission).

Conditions:
Primary ciliary dyskinesia. Also called: Ciliary dyskinesia. Identifiers: Orphanet 244, MedGen C0008780, MONDO:0016575, HP:0012265.

Submission:

Labcorp Genetics (formerly Invitae), Labcorp
Classification: Likely pathogenic for Primary ciliary dyskinesia. Last evaluated: 2023-02-16. Review status: criteria provided, single submitter. Criteria: Invitae Variant Classification Sherloc (09022015). Collection method: clinical testing. Allele origin: unknown.
Comment: This variant results in a copy number gain of the genomic region encompassing exon(s) 7-8 of the CCDC39 gene. While the exact position of this variant cannot be determined from the data, sub-genic copy number gains are generally in tandem (PMID: 25640679). This variant is predicted to be out-of-frame, and may result in an absent or disrupted protein product. Loss-of-function variants in CCDC39 are known to be pathogenic (PMID: 21131972, 23255504). This variant has not been reported in the literature in individuals affected with CCDC39-related conditions. In summary, the currently available evidence indicates that the variant is pathogenic, but additional data are needed to prove that conclusively. Therefore, this variant has been classified as Likely Pathogenic.

Literature cited by the submitters: PubMed 25640679; PubMed 21131972; PubMed 23255504.